The following is an entry in ClinVar:

NM_002645.4(PIK3C2A):c.2040G>A (p.Trp680Ter)

Gene: PIK3C2A (phosphatidylinositol-4-phosphate 3-kinase catalytic subunit type 2 alpha; minus strand). Cytogenetic location: 11p15.1.
Variant type: single nucleotide variant.
Coding change: c.2040G>A on transcript NM_002645.4 (MANE Select); coding-DNA position 2040, G replaced by A.
Protein change: p.Trp680Ter; replaces tryptophan 680 with a stop codon.
Molecular consequence: nonsense.
Genome position (GRCh38, 1-based): chr11:17,134,887, C>T on the plus strand (G>A on the coding strand, the complement: PIK3C2A is on the minus strand). VCF-style: chr11-17134887-C-T. GRCh37 (hg19) VCF-style: chr11-17156434-C-T.
Other names: c.2040G>A, p.Trp680Ter (NM_001321378.2, NM_001386870.1); c.900G>A, p.Trp300Ter (NM_001321380.2); short protein forms W300*, W680*.
Identifiers: ClinVar variation 4772865 (VCV004772865.1).

ClinVar aggregate classification (germline): Pathogenic (1 of 4 stars; one submission).

gnomAD v4.1: 3 of 1,614,166 alleles (0.00019%); highest among the groups gnomAD compares: Non-Finnish European, 0.00017%; no homozygotes.

Submission:

Labcorp Genetics (formerly Invitae), Labcorp
Classification: Pathogenic. Last evaluated: 2025-03-26. Review status: criteria provided, single submitter. Criteria: Invitae Variant Classification Sherloc (09022015). Collection method: clinical testing. Allele origin: germline.
Comment: This sequence change creates a premature translational stop signal (p.Trp680*) in the PIK3C2A gene. It is expected to result in an absent or disrupted protein product. Loss-of-function variants in PIK3C2A are known to be pathogenic (PMID: 31034465). This variant is not present in population databases (gnomAD no frequency). This variant has not been reported in the literature in individuals affected with PIK3C2A-related conditions. For these reasons, this variant has been classified as Pathogenic.

Literature cited by the submitters: PubMed 31034465.